The following is an entry in ClinVar:

ClinVar aggregate classification (germline): Likely benign. Review status: criteria provided, multiple submitters, no conflicts (2 of 4 stars). 2 submissions from 2 submitters: Likely benign (2). Last evaluated 2024-06-01.

Allele frequency attached by ClinVar (database versions not stated): 1000 Genomes Project 30x 0.00031.

Submissions (2):

CeGaT Center for Human Genetics Tuebingen
Classification: Likely benign. Last evaluated: 2024-06-01. Review status: criteria provided, single submitter. Criteria: CeGaT Center For Human Genetics Tuebingen Variant Classification Criteria Version 2. Collection method: clinical testing. Allele origin: germline. Affected: yes. Observed: 3 variant alleles.
Comment: PLA2G6: BP4, BP7

Labcorp Genetics (formerly Invitae), Labcorp
Classification: Likely benign. Last evaluated: 2018-07-11. Review status: criteria provided, single submitter. Criteria: Invitae Variant Classification Sherloc (09022015). Collection method: clinical testing. Allele origin: germline.

NM_003560.4(PLA2G6):c.1374A>C (p.Ser458=)

Gene: PLA2G6 (phospholipase A2 group VI; minus strand). Cytogenetic location: 22q13.1.
Variant type: single nucleotide variant.
Coding change: c.1374A>C on transcript NM_003560.4 (MANE Select); coding-DNA position 1374, A replaced by C.
Protein change: p.Ser458=; no amino-acid change (serine 458 retained).
Molecular consequence: synonymous variant.
Genome position (GRCh38, 1-based): chr22:38,126,424, T>G on the plus strand (A>C on the coding strand, the complement: PLA2G6 is on the minus strand). VCF-style: chr22-38126424-T-G. GRCh37 (hg19) VCF-style: chr22-38522431-T-G.
Other names: c.1212A>C, p.Ser404= (NM_001004426.3, NM_001199562.3, NM_001349865.2 and 1 more transcripts); c.1374A>C, p.Ser458= (NM_001349864.2); c.840A>C, p.Ser280= (NM_001349867.2); c.696A>C, p.Ser232= (NM_001349868.2); c.678A>C, p.Ser226= (NM_001349869.2).
Identifiers: ClinVar variation 736597 (VCV000736597.24), dbSNP rs1236249066, ClinGen allele CA514546106.